The following is an entry in ClinVar:

ClinVar aggregate classification (germline): Uncertain significance (1 of 4 stars; one submission).

Conditions:
Familial thoracic aortic aneurysm and aortic dissection (TAAD). Also called: Thoracic aortic aneurysms and dissections. Identifiers: Orphanet 91387, MedGen C4707243, MONDO:0019625.

Allele frequency attached by ClinVar (database versions not stated): gnomAD exomes below 0.00001.
gnomAD v4.1: 3 of 1,613,258 alleles (0.00019%); highest among the groups gnomAD compares: Non-Finnish European, 0.00025%; no homozygotes.

Submission:

Ambry Genetics
Classification: Uncertain significance for Familial thoracic aortic aneurysm and aortic dissection. Last evaluated: 2022-08-02. Review status: criteria provided, single submitter. Criteria: Ambry Variant Classification Scheme 2023. Collection method: clinical testing. Allele origin: germline.
Comment: The p.V1019A variant (also known as c.3056T>C), located in coding exon 44 of the COL5A2 gene, results from a T to C substitution at nucleotide position 3056. The valine at codon 1019 is replaced by alanine, an amino acid with similar properties. This amino acid position is not well conserved in available vertebrate species. In addition, this alteration is predicted to be tolerated by in silico analysis. Since supporting evidence is limited at this time, the clinical significance of this alteration remains unclear.

NM_000393.5(COL5A2):c.3056T>C (p.Val1019Ala)

Gene: COL5A2 (collagen type V alpha 2 chain; minus strand). Cytogenetic location: 2q32.2.
Variant type: single nucleotide variant.
Coding change: c.3056T>C on transcript NM_000393.5 (MANE Select); coding-DNA position 3056, T replaced by C.
Protein change: p.Val1019Ala; replaces valine 1019 with alanine.
Molecular consequence: missense variant.
Genome position (GRCh38, 1-based): chr2:189,049,438, A>G on the plus strand (T>C on the coding strand, the complement: COL5A2 is on the minus strand). VCF-style: chr2-189049438-A-G. GRCh37 (hg19) VCF-style: chr2-189914164-A-G.
Other names: short protein forms V1019A.
Identifiers: ClinVar variation 1799305 (VCV001799305.2), dbSNP rs2469249856, ClinGen allele CA349865938.